The following is an entry in ClinVar:

NM_003919.3(SGCE):c.390+3A>C

Genes: CASD1 (CAS1 domain sialic acid O acetyltransferase 1; plus strand), SGCE (sarcoglycan epsilon; minus strand). Cytogenetic location: 7q21.3.
Variant type: single nucleotide variant.
Coding change: c.390+3A>C on transcript NM_003919.3 (MANE Select); 3 bases into the intron after coding-DNA position 390, A replaced by C.
Molecular consequence: intron variant.
Genome position (GRCh38, 1-based): chr7:94,628,199, T>G on the plus strand (A>C on the coding strand, the complement: SGCE is on the minus strand). VCF-style: chr7-94628199-T-G. GRCh37 (hg19) VCF-style: chr7-94257511-T-G.
Other names: c.267+3A>C (NM_001362809.2, NM_001301139.2); c.390+3A>C (NM_001346717.2, NM_001099400.2, NM_001099401.2); c.498+3A>C (NM_001346715.2, NM_001346713.2); c.303+3A>C (NM_001362807.2, NM_001346719.2); c.117+3A>C (NM_001362808.2, NM_001346720.2).
Identifiers: ClinVar variation 2117834 (VCV002117834.4), dbSNP rs2485167806, ClinGen allele CA2580077877.

ClinVar aggregate classification (germline): Uncertain significance (1 of 4 stars; one submission).

Conditions:
Myoclonic dystonia 11 (DYT11). Also called: DYT-SGCE; Myoclonic dystonia; Dystonia 11; Dystonia, alcohol responsive; Hereditary essential myoclonus; SGCE Myoclonus-Dystonia. Identifiers: Orphanet 36899, MedGen C1834570, MONDO:0008044, OMIM 159900.

Submission:

Labcorp Genetics (formerly Invitae), Labcorp
Classification: Uncertain significance for Myoclonic dystonia 11. Last evaluated: 2022-03-26. Review status: criteria provided, single submitter. Criteria: Invitae Variant Classification Sherloc (09022015). Collection method: clinical testing. Allele origin: germline.
Comment: Variants that disrupt the consensus splice site are a relatively common cause of aberrant splicing (PMID: 17576681, 9536098). Algorithms developed to predict the effect of sequence changes on RNA splicing suggest that this variant may disrupt the consensus splice site. This variant has not been reported in the literature in individuals affected with SGCE-related conditions. This variant is not present in population databases (gnomAD no frequency). This sequence change falls in intron 3 of the SGCE gene. It does not directly change the encoded amino acid sequence of the SGCE protein. It affects a nucleotide within the consensus splice site. In summary, the available evidence is currently insufficient to determine the role of this variant in disease. Therefore, it has been classified as a Variant of Uncertain Significance.

Literature cited by the submitters: PubMed 17576681; PubMed 9536098.